The following is an entry in ClinVar:

NM_001200.4(BMP2):c.448C>A (p.Leu150Ile)

Gene: BMP2 (bone morphogenetic protein 2; plus strand). Cytogenetic location: 20p12.3.
Variant type: single nucleotide variant.
Coding change: c.448C>A on transcript NM_001200.4 (MANE Select); coding-DNA position 448, C replaced by A.
Protein change: p.Leu150Ile; replaces leucine 150 with isoleucine.
Molecular consequence: missense variant.
Genome position (GRCh38, 1-based): chr20:6,778,346, C>A. VCF-style: chr20-6778346-C-A. GRCh37 (hg19) VCF-style: chr20-6758993-C-A.
Other names: short protein forms L150I.
Identifiers: ClinVar variation 3344475 (VCV003344475.1).

ClinVar aggregate classification (germline): Uncertain significance (0 of 4 stars; one submission).

Conditions:
BMP2-related disorder. Also called: BMP2-related condition.

Submission:

PreventionGenetics, part of Exact Sciences
Classification: Uncertain significance for BMP2-related condition. Last evaluated: 2024-05-17. Review status: no assertion criteria provided. Collection method: clinical testing. Allele origin: germline.
Comment: The BMP2 c.448C>A variant is predicted to result in the amino acid substitution p.Leu150Ile. To our knowledge, this variant has not been reported in the literature or in a large population database, indicating this variant is rare. At this time, the clinical significance of this variant is uncertain due to the absence of conclusive functional and genetic evidence.